The following is an entry in ClinVar:

ClinVar aggregate classification (germline): Likely benign (1 of 4 stars; one submission).

gnomAD v4.1: 11 of 1,593,512 alleles (0.00069%); highest among the groups gnomAD compares: Non-Finnish European, 0.00093%; no homozygotes.

Submission:

CeGaT Center for Human Genetics Tuebingen
Classification: Likely benign. Last evaluated: 2025-06-01. Review status: criteria provided, single submitter. Criteria: CeGaT Center For Human Genetics Tuebingen Variant Classification Criteria Version 2. Collection method: clinical testing. Allele origin: germline. Affected: yes. Observed: 1 variant allele.
Comment: PPFIA3: BP4, BP7

NM_003660.4(PPFIA3):c.54G>C (p.Ala18=)

Genes: PPFIA3 (PPFI scaffold protein A3; plus strand), LOC130064903 (ATAC-STARR-seq lymphoblastoid silent region 10914; plus strand). Cytogenetic location: 19q13.33.
Variant type: single nucleotide variant.
Coding change: c.54G>C on transcript NM_003660.4 (MANE Select); coding-DNA position 54, G replaced by C.
Protein change: p.Ala18=; no amino-acid change (alanine 18 retained).
Molecular consequence: synonymous variant. On other transcripts: non-coding transcript variant (1).
Genome position (GRCh38, 1-based): chr19:49,127,927, G>C. VCF-style: chr19-49127927-G-C. GRCh37 (hg19) VCF-style: chr19-49631184-G-C.
Identifiers: ClinVar variation 4084776 (VCV004084776.8).